The following is an entry in ClinVar:

NM_000202.8(IDS):c.1568A>G (p.Tyr523Cys)

Gene: IDS (iduronate 2-sulfatase; minus strand). Cytogenetic location: Xq28.
Variant type: single nucleotide variant.
Coding change: c.1568A>G on transcript NM_000202.8 (MANE Select); coding-DNA position 1568, A replaced by G.
Protein change: p.Tyr523Cys; replaces tyrosine 523 with cysteine.
Molecular consequence: missense variant.
Genome position (GRCh38, 1-based): chrX:149,482,831, T>C on the plus strand (A>G on the coding strand, the complement: IDS is on the minus strand). VCF-style: chrX-149482831-T-C. GRCh37 (hg19) VCF-style: chrX-148564362-T-C.
Other names: c.1298A>G, p.Tyr433Cys (NM_001166550.4); short protein forms Y433C, Y523C.
Identifiers: ClinVar variation 996935 (VCV000996935.7), dbSNP rs2089303696, ClinGen allele CA414517799.

ClinVar aggregate classification (germline): Likely pathogenic. Review status: criteria provided, multiple submitters, no conflicts (2 of 4 stars). 3 submissions from 3 submitters: Likely pathogenic (3). Last evaluated 2024-06-07.

Conditions:
Mucopolysaccharidosis, MPS-II (MPS2). Also called: Mucopolysaccharidosis type 2; Hunter Syndrome; IDURONATE 2-SULFATASE DEFICIENCY; Mucopolysaccharidosis Type II; IDS deficiency; Sulfoiduronate sulfatase deficiency. Identifiers: Orphanet 580, Orphanet 79388, MedGen C0026705, MONDO:0010674, OMIM 309900.

Submissions (3):

Laboratory of Diagnosis and Therapy of Lysosomal Disorders, University of Padova
Classification: Likely pathogenic for Mucopolysaccharidosis, MPS-II. Last evaluated: 2024-06-07. Review status: criteria provided, single submitter. Criteria: ACMG Guidelines, 2015. Collection method: literature only. Allele origin: germline. Affected: yes. Observed: 6 variant alleles.
Comment: Prevalence of the variant significantly increased in affected individuals compared with controls (PS4_Supporting), Absent from controls (or at low frequency) in gnomAD database (PM2_Moderate), Cosegregation with disease in multiple affected family members (PP1_Moderate), Missense variant in a gene with a low rate of benign missense variation (PP2_Supporting), Multiple lines of computational evidence support a deleterious effect (PP3_Supporting), Patient’s phenotype or family history highly specific for the disease (PP4_Moderate)

Classification method: ACMG Guidelines [PMID:25741868] with modifications

Revvity Omics, Revvity
Classification: Likely pathogenic for Mucopolysaccharidosis, MPS-II. Last evaluated: 2021-09-07. Review status: criteria provided, single submitter. Criteria: ACMG Guidelines, 2015. Collection method: clinical testing. Allele origin: germline.

Department of Medical Genetics, Sanjay Gandhi Post Graduate Institute of Medical Sciences
Classification: Likely pathogenic for Mucopolysaccharidosis, MPS-II. Review status: criteria provided, single submitter. Criteria: ACMG Guidelines, 2015. Collection method: clinical testing. Allele origin: maternal. Inheritance: X-linked recessive inheritance. Affected: yes. Observed: 1 variant allele, 1 hemizygote.

Literature cited by the submitters: PubMed 35144014 (cited by Laboratory of Diagnosis and Therapy of Lysosomal Disorders, University of Padova); PubMed 7887413 (cited by Laboratory of Diagnosis and Therapy of Lysosomal Disorders, University of Padova); PubMed 22246721 (cited by Laboratory of Diagnosis and Therapy of Lysosomal Disorders, University of Padova); PubMed 21062272 (cited by Laboratory of Diagnosis and Therapy of Lysosomal Disorders, University of Padova); PubMed 19046346 (cited by Laboratory of Diagnosis and Therapy of Lysosomal Disorders, University of Padova); PubMed 36713083 (cited by Laboratory of Diagnosis and Therapy of Lysosomal Disorders, University of Padova).